The following is an entry in ClinVar:

NM_001367624.2(ZNF469):c.3110G>T (p.Arg1037Met)

Gene: ZNF469 (zinc finger protein 469; plus strand). Cytogenetic location: 16q24.2.
Variant type: single nucleotide variant.
Coding change: c.3110G>T on transcript NM_001367624.2 (MANE Select); coding-DNA position 3110, G replaced by T.
Protein change: p.Arg1037Met; replaces arginine 1037 with methionine.
Molecular consequence: missense variant.
Genome position (GRCh38, 1-based): chr16:88,430,580, G>T. VCF-style: chr16-88430580-G-T. GRCh37 (hg19) VCF-style: chr16-88496988-G-T.
Other names: NM_001127464.1:c.3110G>T; short protein forms R1037M.
Identifiers: ClinVar variation 1727749 (VCV001727749.6), dbSNP rs1324764985, ClinGen allele CA397077503.
Genomic context (GRCh38, chr16:88,430,580, plus strand): 5'-CCCTCCCCGAGGAGACCCGCAGCTCCCGGCGCCGCCGGCTGCCCCCCAGGAAGGACCCCA[G>T]GAAGAGGAAGGCTCGGGGCGGCGCCTGGGGCAAGGAGCTCATTCTGAAGATCGTGCAGCA-3'
Protein context (NP_001354553.1, residues 1027-1047): RRRLPPRKDP[Arg1037Met]KRKARGGAWG

ClinVar aggregate classification (germline): Uncertain significance. Review status: criteria provided, multiple submitters, no conflicts (2 of 4 stars). 2 submissions from 2 submitters: Uncertain significance (2). Last evaluated 2024-10-15.

Conditions:
Cardiovascular phenotype. Identifiers: MedGen CN230736.

gnomAD v4.1: 1 of 1,499,708 alleles (0.000067%); highest among the groups gnomAD compares: Non-Finnish European, 0.000088%; no homozygotes.

Submissions (2):

Ambry Genetics
Classification: Uncertain significance for Cardiovascular phenotype. Last evaluated: 2024-10-15. Review status: criteria provided, single submitter. Criteria: Ambry Variant Classification Scheme 2023. Collection method: clinical testing. Allele origin: germline.
Comment: The p.R1037M variant (also known as c.3110G>T), located in coding exon 1 of the ZNF469 gene, results from a G to T substitution at nucleotide position 3110. The arginine at codon 1037 is replaced by methionine, an amino acid with similar properties. This amino acid position is conserved. In addition, this alteration is predicted to be tolerated by in silico analysis. Since supporting evidence is limited at this time, the clinical significance of this alteration remains unclear.

Labcorp Genetics (formerly Invitae), Labcorp
Classification: Uncertain significance. Last evaluated: 2022-08-01. Review status: criteria provided, single submitter. Criteria: Invitae Variant Classification Sherloc (09022015). Collection method: clinical testing. Allele origin: germline.
Comment: This variant is not present in population databases (gnomAD no frequency). This sequence change replaces arginine, which is basic and polar, with methionine, which is neutral and non-polar, at codon 1037 of the ZNF469 protein (p.Arg1037Met). This variant has not been reported in the literature in individuals affected with ZNF469-related conditions. Algorithms developed to predict the effect of missense changes on protein structure and function are either unavailable or do not agree on the potential impact of this missense change (SIFT: "Deleterious"; PolyPhen-2: "Probably Damaging"; Align-GVGD: "Class C0"). In summary, the available evidence is currently insufficient to determine the role of this variant in disease. Therefore, it has been classified as a Variant of Uncertain Significance.